The following is an entry in ClinVar:

ClinVar aggregate classification (germline): Uncertain significance. Review status: criteria provided, multiple submitters, no conflicts (2 of 4 stars). 2 submissions from 2 submitters: Uncertain significance (2). Last evaluated 2025-09-27.

Conditions:
Hereditary cancer-predisposing syndrome. Also called: Tumor predisposition; Hereditary Cancer Syndrome; Neoplastic Syndromes, Hereditary; Hereditary neoplastic syndrome. Identifiers: Orphanet 140162, MedGen C0027672, MeSH D009386, MONDO:0015356.
Tuberous sclerosis 2 (TSC2). Identifiers: Orphanet 805, MedGen C1860707, MONDO:0013199, OMIM 613254.

Submissions (2):

Ambry Genetics
Classification: Uncertain significance for Hereditary cancer-predisposing syndrome. Last evaluated: 2025-09-27. Review status: criteria provided, single submitter. Criteria: Ambry Variant Classification Scheme 2023. Collection method: clinical testing. Allele origin: germline.

Labcorp Genetics (formerly Invitae), Labcorp
Classification: Uncertain significance for Tuberous sclerosis 2. Last evaluated: 2025-05-26. Review status: criteria provided, single submitter. Criteria: Invitae Variant Classification Sherloc (09022015). Collection method: clinical testing. Allele origin: germline.
Comment: This sequence change replaces arginine, which is basic and polar, with serine, which is neutral and polar, at codon 1634 of the TSC2 protein (p.Arg1634Ser). This variant is not present in population databases (gnomAD no frequency). This variant has not been reported in the literature in individuals affected with TSC2-related conditions. Invitae Evidence Modeling of protein sequence and biophysical properties (such as structural, functional, and spatial information, amino acid conservation, physicochemical variation, residue mobility, and thermodynamic stability) indicates that this missense variant is not expected to disrupt TSC2 protein function with a negative predictive value of 95%. In summary, the available evidence is currently insufficient to determine the role of this variant in disease. Therefore, it has been classified as a Variant of Uncertain Significance.

NM_000548.5(TSC2):c.4900C>A (p.Arg1634Ser)

Gene: TSC2 (TSC complex subunit 2; plus strand). Cytogenetic location: 16p13.3.
Variant type: single nucleotide variant.
Coding change: c.4900C>A on transcript NM_000548.5 (MANE Select); coding-DNA position 4900, C replaced by A.
Protein change: p.Arg1634Ser; replaces arginine 1634 with serine.
Molecular consequence: missense variant. On other transcripts: non-coding transcript variant (5).
Genome position (GRCh38, 1-based): chr16:2,086,782, C>A. VCF-style: chr16-2086782-C-A. GRCh37 (hg19) VCF-style: chr16-2136783-C-A.
Other names: c.4591C>A, p.Arg1531Ser (NM_001318827.2); c.4555C>A, p.Arg1519Ser (NM_001318829.2); c.4168C>A, p.Arg1390Ser (NM_001318831.2); c.4732C>A, p.Arg1578Ser (NM_001318832.2); c.4702C>A, p.Arg1568Ser (NM_001363528.2); c.4768C>A, p.Arg1590Ser (NM_001370404.1); c.4771C>A, p.Arg1591Ser (NM_001370405.1, NM_021055.3); c.4897C>A, p.Arg1633Ser (NM_001406663.1); and 26 more; short protein forms R1143S, R1368S, R1434S, R1530S, R1562S, R1590S, R1119S, R1120S.
Identifiers: ClinVar variation 4557765 (VCV004557765.2).